The following is an entry in ClinVar:

ClinVar aggregate classification (germline): Conflicting classifications of pathogenicity. Review status: criteria provided, conflicting classifications (1 of 4 stars). 2 submissions from 2 submitters: Uncertain significance (1); Likely benign (1). Last evaluated 2023-12-20.

Conditions:
Inborn genetic diseases. Identifiers: MedGen C0950123, MeSH D030342.
Hepatic veno-occlusive disease-immunodeficiency syndrome. Also called: Hepatic Veno-Occlusive Disease with Immunodeficiency. Identifiers: Orphanet 79124, MedGen C1856128, MONDO:0009338, OMIM 235550. Disease mechanism: loss of function.

Allele frequency attached by ClinVar (database versions not stated): gnomAD 0.00001; TOPMed 0.00005; gnomAD exomes 0.00008; ExAC 0.00010; ESP Exome Variant Server 0.00015.
gnomAD v4.1: 65 of 1,614,066 alleles (0.004%); highest among the groups gnomAD compares: South Asian, 0.033%; 1 homozygote.

Submissions (2):

Ambry Genetics
Classification: Likely benign for Inborn genetic diseases. Last evaluated: 2023-12-20. Review status: criteria provided, single submitter. Criteria: Ambry Variant Classification Scheme 2023. Collection method: clinical testing. Allele origin: germline.

Labcorp Genetics (formerly Invitae), Labcorp
Classification: Uncertain significance for Hepatic veno-occlusive disease-immunodeficiency syndrome. Last evaluated: 2021-10-04. Review status: criteria provided, single submitter. Criteria: Invitae Variant Classification Sherloc (09022015). Collection method: clinical testing. Allele origin: germline.
Comment: In summary, the available evidence is currently insufficient to determine the role of this variant in disease. Therefore, it has been classified as a Variant of Uncertain Significance. Algorithms developed to predict the effect of missense changes on protein structure and function output the following: SIFT: "Tolerated"; PolyPhen-2: "Benign"; Align-GVGD: "Class C0". The glutamine amino acid residue is found in multiple mammalian species, which suggests that this missense change does not adversely affect protein function. This variant has not been reported in the literature in individuals affected with SP110-related conditions. This variant is present in population databases (rs144163010, ExAC 0.03%). This sequence change replaces arginine with glutamine at codon 344 of the SP110 protein (p.Arg344Gln). The arginine residue is weakly conserved and there is a small physicochemical difference between arginine and glutamine.

NM_080424.4(SP110):c.1031G>A (p.Arg344Gln)

Genes: SP110 (SP110 nuclear body protein; minus strand), SP140 (SP140 nuclear body protein; plus strand). Cytogenetic location: 2q37.1.
Variant type: single nucleotide variant.
Coding change: c.1031G>A on transcript NM_080424.4 (MANE Select); coding-DNA position 1031, G replaced by A.
Protein change: p.Arg344Gln; replaces arginine 344 with glutamine.
Molecular consequence: missense variant. On other transcripts: intron variant (1).
Genome position (GRCh38, 1-based): chr2:230,202,596, C>T on the plus strand (G>A on the coding strand, the complement: SP110 is on the minus strand). VCF-style: chr2-230202596-C-T. GRCh37 (hg19) VCF-style: chr2-231067312-C-T.
Other names: c.1031G>A (NM_004509.3); c.1049G>A, p.Arg350Gln (NM_001185015.2, NM_001378442.1, NM_001378444.1 and 2 more transcripts); c.1031G>A, p.Arg344Gln (NM_001378443.1, NM_004509.5, NM_004510.4); c.899-1631G>A (NM_001378447.1); short protein forms R344Q, R350Q.
Identifiers: ClinVar variation 1363199 (VCV001363199.5), dbSNP rs144163010, ClinGen allele CA2154658.